The following is an entry in ClinVar:

NM_000631.5(NCF4):c.553A>G (p.Ser185Gly)

Gene: NCF4 (neutrophil cytosolic factor 4; plus strand). Cytogenetic location: 22q12.3.
Variant type: single nucleotide variant.
Coding change: c.553A>G on transcript NM_000631.5 (MANE Select); coding-DNA position 553, A replaced by G.
Protein change: p.Ser185Gly; replaces serine 185 with glycine.
Molecular consequence: missense variant.
Genome position (GRCh38, 1-based): chr22:36,872,351, A>G. VCF-style: chr22-36872351-A-G. GRCh37 (hg19) VCF-style: chr22-37268393-A-G.
Other names: c.553A>G, p.Ser185Gly (NM_013416.4); short protein forms S185G.
Identifiers: ClinVar variation 577126 (VCV000577126.6), dbSNP rs766040731, ClinGen allele CA323993259.

ClinVar aggregate classification (germline): Uncertain significance (1 of 4 stars; one submission).

Conditions:
Granulomatous disease, chronic, autosomal recessive, cytochrome b-positive, type 3. Also called: GRANULOMATOUS DISEASE, CHRONIC, AUTOSOMAL RECESSIVE, 3; CGD, AUTOSOMAL RECESSIVE CYTOCHROME b-POSITIVE, TYPE III; GRANULOMATOUS DISEASE, CHRONIC, DUE TO NCF4 DEFICIENCY; Granulomatous disease, chronic, autosomal recessive, cytochrome b-positive, type III. Identifiers: Orphanet 379, MedGen C3151409, MONDO:0013507, OMIM 613960.

Allele frequency attached by ClinVar (database versions not stated): gnomAD exomes below 0.00001; gnomAD 0.00001; TOPMed 0.00002.
gnomAD v4.1: 93 of 1,612,608 alleles (0.0058%); highest among the groups gnomAD compares: Non-Finnish European, 0.0075%; no homozygotes.

Submission:

Labcorp Genetics (formerly Invitae), Labcorp
Classification: Uncertain significance for Granulomatous disease, chronic, autosomal recessive, cytochrome b-positive, type 3. Last evaluated: 2022-04-07. Review status: criteria provided, single submitter. Criteria: Invitae Variant Classification Sherloc (09022015). Collection method: clinical testing. Allele origin: germline.
Comment: This sequence change replaces serine, which is neutral and polar, with glycine, which is neutral and non-polar, at codon 185 of the NCF4 protein (p.Ser185Gly). This variant is present in population databases (rs766040731, gnomAD 0.0009%). This variant has not been reported in the literature in individuals affected with NCF4-related conditions. ClinVar contains an entry for this variant (Variation ID: 577126). Algorithms developed to predict the effect of missense changes on protein structure and function (SIFT, PolyPhen-2, Align-GVGD) all suggest that this variant is likely to be tolerated. In summary, the available evidence is currently insufficient to determine the role of this variant in disease. Therefore, it has been classified as a Variant of Uncertain Significance.